The following is an entry in ClinVar:

ClinVar aggregate classification (germline): Uncertain significance. Review status: criteria provided, multiple submitters, no conflicts (2 of 4 stars). 5 submissions from 5 submitters: Uncertain significance (4). 1 of the submissions does not count toward it. Last evaluated 2025-08-08.

Conditions:
Inborn genetic diseases. Identifiers: MedGen C0950123, MeSH D030342.
Neuronal ceroid lipofuscinosis 2. Also called: TPP1-Related Neuronal Ceroid-Lipofuscinosis; JANSKY-BIELSCHOWSKY DISEASE NEURONAL CEROID LIPOFUSCINOSIS, LATE INFANTILE. Identifiers: Orphanet 168491, Orphanet 228349, Orphanet 79264, MedGen C1876161, MONDO:0008769, OMIM 204500.

Allele frequency attached by ClinVar (database versions not stated): gnomAD exomes 0.00003 and 0.00006; ExAC 0.00008; ESP Exome Variant Server 0.00054; gnomAD 0.00018 and 0.00021; TOPMed 0.00022.

Submissions (5):

Ambry Genetics
Classification: Uncertain significance for Inborn genetic diseases. Last evaluated: 2025-08-08. Review status: criteria provided, single submitter. Criteria: Ambry Variant Classification Scheme 2023. Collection method: clinical testing. Allele origin: germline.

GeneDx
Classification: Uncertain significance. Last evaluated: 2025-02-01. Review status: criteria provided, single submitter. Criteria: GeneDx Variant Classification Process June 2021. Collection method: clinical testing. Allele origin: germline. Affected: yes.
Comment: In silico analysis supports that this missense variant has a deleterious effect on protein structure/function; Has not been previously published as pathogenic or benign to our knowledge

Labcorp Genetics (formerly Invitae), Labcorp
Classification: Uncertain significance. Last evaluated: 2021-11-27. Review status: criteria provided, single submitter. Criteria: Invitae Variant Classification Sherloc (09022015). Collection method: clinical testing. Allele origin: germline.
Comment: This sequence change replaces arginine, which is basic and polar, with tryptophan, which is neutral and slightly polar, at codon 418 of the TPP1 protein (p.Arg418Trp). This variant is present in population databases (rs143584882, gnomAD 0.07%). This variant has not been reported in the literature in individuals affected with TPP1-related conditions. ClinVar contains an entry for this variant (Variation ID: 576289). Advanced modeling of protein sequence and biophysical properties (such as structural, functional, and spatial information, amino acid conservation, physicochemical variation, residue mobility, and thermodynamic stability) performed at Invitae indicates that this missense variant is expected to disrupt TPP1 protein function. In summary, the available evidence is currently insufficient to determine the role of this variant in disease. Therefore, it has been classified as a Variant of Uncertain Significance.

Eurofins Ntd Llc (ga)
Classification: Uncertain significance. Last evaluated: 2018-01-16. Review status: criteria provided, single submitter. Criteria: EGL Classification Definitions 2015. Collection method: clinical testing. Allele origin: germline. Observed: 1 variant allele, 1 heterozygote.

Natera, Inc.
Classification: Uncertain significance for Neuronal ceroid lipofuscinosis 2. Last evaluated: 2020-04-14. Review status: no assertion criteria provided. Collection method: clinical testing. Allele origin: germline. Not counted in ClinVar's aggregate classification.

NM_000391.4(TPP1):c.1252C>T (p.Arg418Trp)

Gene: TPP1 (tripeptidyl peptidase 1; minus strand). Cytogenetic location: 11p15.4.
Variant type: single nucleotide variant.
Coding change: c.1252C>T on transcript NM_000391.4 (MANE Select); coding-DNA position 1252, C replaced by T.
Protein change: p.Arg418Trp; replaces arginine 418 with tryptophan.
Molecular consequence: missense variant.
Genome position (GRCh38, 1-based): chr11:6,615,456, G>A on the plus strand (C>T on the coding strand, the complement: TPP1 is on the minus strand). VCF-style: chr11-6615456-G-A. GRCh37 (hg19) VCF-style: chr11-6636687-G-A.
Other names: short protein forms R418W.
Identifiers: ClinVar variation 576289 (VCV000576289.20), dbSNP rs143584882, ClinGen allele CA5858700.